The following is an entry in ClinVar:

ClinVar aggregate classification (germline): Pathogenic/Likely pathogenic. Review status: criteria provided, multiple submitters, no conflicts (2 of 4 stars). 2 submissions from 2 submitters: Pathogenic (1); Likely pathogenic (1). Last evaluated 2024-08-21.

Conditions:
Multiple congenital anomalies-hypotonia-seizures syndrome 1 (MCAHS1). Also called: PIGN-CDG; Congenital disorder of glycosylation due to PIGN deficiency; GLYCOSYLPHOSPHATIDYLINOSITOL BIOSYNTHESIS DEFECT 3. Identifiers: Orphanet 280633, MedGen C3279775, MONDO:0013563, OMIM 614080.
PIGN-related disorder. Also called: PIGN-related condition.

Submissions (2):

Blueprint Genetics
Classification: Likely pathogenic for PIGN-related disorders. Last evaluated: 2024-08-21. Review status: criteria provided, single submitter. Criteria: ACMG Guidelines, 2015. Collection method: clinical testing. Allele origin: germline. Affected: yes. Observed: 1 variant allele.

Labcorp Genetics (formerly Invitae), Labcorp
Classification: Pathogenic for Multiple congenital anomalies-hypotonia-seizures syndrome 1. Last evaluated: 2023-11-06. Review status: criteria provided, single submitter. Criteria: Invitae Variant Classification Sherloc (09022015). Collection method: clinical testing. Allele origin: germline.
Comment: This sequence change creates a premature translational stop signal (p.Ile746Argfs*13) in the PIGN gene. It is expected to result in an absent or disrupted protein product. Loss-of-function variants in PIGN are known to be pathogenic (PMID: 24253414, 27038415). This variant is present in population databases (no rsID available, gnomAD 0.005%). This variant has not been reported in the literature in individuals affected with PIGN-related conditions. For these reasons, this variant has been classified as Pathogenic.

Literature cited by the submitters: PubMed 24253414 (cited by Labcorp Genetics (formerly Invitae), Labcorp); PubMed 27038415 (cited by Labcorp Genetics (formerly Invitae), Labcorp).

NM_176787.5(PIGN):c.2237_2238del (p.Ile746fs)

Gene: PIGN (phosphatidylinositol glycan anchor biosynthesis class N; minus strand). Cytogenetic location: 18q21.33.
Variant type: Deletion.
Coding change: c.2237_2238del on transcript NM_176787.5 (MANE Select); coding-DNA positions 2237 to 2238, 2 bases deleted (TA; older notation c.2237_2238delTA).
Protein change: p.Ile746fs; shifts the reading frame from isoleucine 746.
Molecular consequence: frameshift variant.
Genome position (GRCh38, 1-based): chr18:62,090,521-62,090,522, TA deleted on the plus strand (TA on the coding strand, the reverse complement: PIGN is on the minus strand); deleting any 2 consecutive bases within chr18:62,090,521-62,090,523 gives the same sequence; the c. name uses the placement nearest the transcript's 3' end. VCF-style (leftmost placement, unchanged base first): chr18-62090520-CTA-C. GRCh37 (hg19) VCF-style: chr18-59757753-CTA-C.
Other names: c.2237_2238del, p.Ile746fs (NM_012327.6); short protein forms I746fs.
Identifiers: ClinVar variation 2898960 (VCV002898960.4), dbSNP rs1225145669, ClinGen allele CA630105202.